The following is an entry in ClinVar:

ClinVar aggregate classification (germline): Benign/Likely benign. Review status: criteria provided, multiple submitters, no conflicts (2 of 4 stars). 3 submissions from 3 submitters: Benign (2); Likely benign (1). Last evaluated 2026-01-09.

Conditions:
Isolated focal non-epidermolytic palmoplantar keratoderma. Also called: Palmoplantar keratoderma, nonepidermolytic, focal 2. Identifiers: Orphanet 448264, MedGen C4225339, MONDO:0014622, OMIM 616400.

Allele frequency attached by ClinVar (database versions not stated): gnomAD exomes 0.00114; ExAC 0.00148; 1000 Genomes Project 0.00379; 1000 Genomes Project 30x 0.00437; gnomAD 0.00497 and 0.00538; TOPMed 0.00545; ESP Exome Variant Server 0.00600.

Submissions (3):

Labcorp Genetics (formerly Invitae), Labcorp
Classification: Benign. Last evaluated: 2026-01-09. Review status: criteria provided, single submitter. Criteria: Invitae Variant Classification Sherloc (09022015). Collection method: clinical testing. Allele origin: germline.

Blueprint Genetics
Classification: Likely benign. Last evaluated: 2024-10-22. Review status: criteria provided, single submitter. Criteria: ACMG Guidelines, 2015. Collection method: clinical testing. Allele origin: germline.

Illumina Laboratory Services, Illumina
Classification: Benign for Isolated focal non-epidermolytic palmoplantar keratoderma. Last evaluated: 2018-01-13. Review status: criteria provided, single submitter. Criteria: ICSL Variant Classification Criteria 13 December 2019. Collection method: clinical testing. Allele origin: germline.
Comment: This variant was observed in the ICSL laboratory as part of a predisposition screen in an ostensibly healthy population. It had not been previously curated by ICSL or reported in the Human Gene Mutation Database (HGMD: prior to June 1st, 2018), and was therefore a candidate for classification through an automated scoring system. Utilizing variant allele frequency, disease prevalence and penetrance estimates, and inheritance mode, an automated score was calculated to assess if this variant is too frequent to cause the disease. Based on the score and internal cut-off values, a variant classified as benign is not then subjected to further curation. The score for this variant resulted in a classification of benign for this disease.

NM_145068.4(TRPV3):c.2278+9G>A

Gene: TRPV3 (transient receptor potential cation channel subfamily V member 3; minus strand). Cytogenetic location: 17p13.2.
Variant type: single nucleotide variant.
Coding change: c.2278+9G>A on transcript NM_145068.4 (MANE Select); 9 bases into the intron after coding-DNA position 2278, G replaced by A.
Molecular consequence: intron variant.
Genome position (GRCh38, 1-based): chr17:3,514,584, C>T on the plus strand (G>A on the coding strand, the complement: TRPV3 is on the minus strand). VCF-style: chr17-3514584-C-T. GRCh37 (hg19) VCF-style: chr17-3417878-C-T.
Other names: c.2278+9G>A (NM_001258205.2).
Identifiers: ClinVar variation 777094 (VCV000777094.14), dbSNP rs79589254, ClinGen allele CA8289144.
Genomic context (GRCh38, chr17:3,514,584, plus strand): 5'-ACTTGATCTGCCCAAGGTTACATGGTCTGAGACAGGAGCGGACACCATGTCACCTCACAG[C>T]GACAGTACCTGTTCGTCTTACAGGCCCCGGGTCTTCGTTAAGGAAGGAGACGTGCGTCTT-3'